The following is an entry in ClinVar:

ClinVar aggregate classification (germline): Uncertain significance (1 of 4 stars; one submission).

Allele frequency attached by ClinVar (database versions not stated): gnomAD exomes below 0.00001; gnomAD 0.00001.
gnomAD v4.1: 7 of 1,395,968 alleles (0.0005%); highest among the groups gnomAD compares: Non-Finnish European, 0.00066%; no homozygotes.

Submission:

Labcorp Genetics (formerly Invitae), Labcorp
Classification: Uncertain significance. Last evaluated: 2025-06-16. Review status: criteria provided, single submitter. Criteria: Invitae Variant Classification Sherloc (09022015). Collection method: clinical testing. Allele origin: germline.
Comment: This sequence change replaces alanine, which is neutral and non-polar, with proline, which is neutral and non-polar, at codon 7 of the RASA2 protein (p.Ala7Pro). This variant is present in population databases (no rsID available, gnomAD 0.007%). This variant has not been reported in the literature in individuals affected with RASA2-related conditions. ClinVar contains an entry for this variant (Variation ID: 2812527). An algorithm developed to predict the effect of missense changes on protein structure and function outputs the following: PolyPhen-2: "Not Available". The proline amino acid residue is found in multiple mammalian species, which suggests that this missense change does not adversely affect protein function. In summary, the available evidence is currently insufficient to determine the role of this variant in disease. Therefore, it has been classified as a Variant of Uncertain Significance.

NM_006506.5(RASA2):c.19G>C (p.Ala7Pro)

Genes: RASA2 (RAS p21 protein activator 2; plus strand), LOC129937686 (ATAC-STARR-seq lymphoblastoid silent region 14777; plus strand). Cytogenetic location: 3q23.
Variant type: single nucleotide variant.
Coding change: c.19G>C on transcript NM_006506.5 (MANE Select); coding-DNA position 19, G replaced by C.
Protein change: p.Ala7Pro; replaces alanine 7 with proline.
Molecular consequence: missense variant.
Genome position (GRCh38, 1-based): chr3:141,487,102, G>C. VCF-style: chr3-141487102-G-C. GRCh37 (hg19) VCF-style: chr3-141205944-G-C.
Other names: c.19G>C, p.Ala7Pro (NM_001303245.3, NM_001303246.3); short protein forms A7P.
Identifiers: ClinVar variation 2812527 (VCV002812527.3), dbSNP rs1161681842, ClinGen allele CA354773473.